The following is an entry in ClinVar:

ClinVar aggregate classification (germline): Benign/Likely benign. Review status: criteria provided, multiple submitters, no conflicts (2 of 4 stars). 3 submissions from 3 submitters: Benign (1); Likely benign (1). 1 of the submissions does not count toward it. Last evaluated 2025-04-24.

Conditions:
NSDHL-related disorder. Also called: NSDHL-related condition; NSDHL-Related Disorders. Identifiers: MedGen CN381535.
Inborn genetic diseases. Identifiers: MedGen C0950123, MeSH D030342.

Allele frequency attached by ClinVar (database versions not stated): gnomAD exomes 0.00002; gnomAD 0.00004; TOPMed 0.00004; ExAC 0.00007; 1000 Genomes Project 30x 0.00021; 1000 Genomes Project 0.00026.
gnomAD v4.1: 33 of 1,209,744 alleles (0.0027%); highest among the groups gnomAD compares: Admixed American, 0.017%; no homozygotes.

Submissions (3):

Ambry Genetics
Classification: Likely benign for Inborn genetic diseases. Last evaluated: 2025-04-24. Review status: criteria provided, single submitter. Criteria: Ambry Variant Classification Scheme 2023. Collection method: clinical testing. Allele origin: germline.

Labcorp Genetics (formerly Invitae), Labcorp
Classification: Benign. Last evaluated: 2025-03-18. Review status: criteria provided, single submitter. Criteria: Invitae Variant Classification Sherloc (09022015). Collection method: clinical testing. Allele origin: germline.

PreventionGenetics, part of Exact Sciences
Classification: Likely benign for NSDHL-related condition. Last evaluated: 2024-02-01. Review status: no assertion criteria provided. Collection method: clinical testing. Allele origin: germline. Not counted in ClinVar's aggregate classification.
Comment: This variant is classified as likely benign based on ACMG/AMP sequence variant interpretation guidelines (Richards et al. 2015 PMID: 25741868, with internal and published modifications).

NM_015922.3(NSDHL):c.1099C>T (p.Arg367Cys)

Gene: NSDHL (NAD(P) dependent 3-beta-hydroxysteroid dehydrogenase NSDHL; plus strand). Cytogenetic location: Xq28.
Variant type: single nucleotide variant.
Coding change: c.1099C>T on transcript NM_015922.3 (MANE Select); coding-DNA position 1099, C replaced by T.
Protein change: p.Arg367Cys; replaces arginine 367 with cysteine.
Molecular consequence: missense variant.
Genome position (GRCh38, 1-based): chrX:152,869,093, C>T. VCF-style: chrX-152869093-C-T. GRCh37 (hg19) VCF-style: chrX-152037637-C-T.
Other names: c.1099C>T (NM_015922.2); c.1099C>T, p.Arg367Cys (NM_001129765.2); short protein forms R367C.
Identifiers: ClinVar variation 2903765 (VCV002903765.6), dbSNP rs199567542, ClinGen allele CA10544909.